The following is an entry in ClinVar:

NM_000059.4(BRCA2):c.5972C>A (p.Ala1991Asp)

Gene: BRCA2 (BRCA2 DNA repair associated; plus strand). Cytogenetic location: 13q13.1.
Variant type: single nucleotide variant.
Coding change: c.5972C>A on transcript NM_000059.4 (MANE Select); coding-DNA position 5972, C replaced by A.
Protein change: p.Ala1991Asp; replaces alanine 1991 with aspartic acid.
Molecular consequence: missense variant. On other transcripts: non-coding transcript variant (1), intron variant (2).
Genome position (GRCh38, 1-based): chr13:32,340,327, C>A. VCF-style: chr13-32340327-C-A. GRCh37 (hg19) VCF-style: chr13-32914464-C-A.
Other names: c.5972C>A, p.Ala1991Asp (NM_001406719.1, NM_001406720.1); c.1910-4231C>A (NM_001406721.1); c.425-4231C>A (NM_001406722.1); short protein forms A1991D.
Identifiers: ClinVar variation 2900659 (VCV002900659.4), dbSNP rs80358829, ClinGen allele CA387787628.

ClinVar aggregate classification (germline): Uncertain significance. Review status: criteria provided, multiple submitters, no conflicts (2 of 4 stars). 2 submissions from 2 submitters: Uncertain significance (2). Last evaluated 2025-07-18.

Conditions:
Hereditary breast ovarian cancer syndrome. Also called: Hereditary breast and ovarian cancer syndrome; BRCA1- and BRCA2-Associated Hereditary Breast and Ovarian Cancer; Breast and ovarian cancer; Hereditary breast and ovarian cancer; Hereditary breast and ovarian cancer syndrome (HBOC); Hereditary breast and/or ovarian cancer syndrome. Identifiers: Orphanet 145, MedGen C0677776, MeSH D061325, MONDO:0003582. Disease mechanism: loss of function.

Submissions (2):

Quest Diagnostics Nichols Institute San Juan Capistrano
Classification: Uncertain significance. Last evaluated: 2025-07-18. Review status: criteria provided, single submitter. Criteria: Quest Diagnostics criteria. Collection method: clinical testing. Allele origin: unknown.
Comment: The BRCA2 c.5972C>A (p.Ala1991Asp) variant has not been reported in individuals with BRCA2-related conditions in the published literature. It also has not been reported in large, multi-ethnic general populations (Genome Aggregation Database). Analysis of this variant using bioinformatics tools for the prediction of the effect of amino acid changes on protein structure and function yielded conflicting predictions that this variant is benign or damaging. Based on the available information, we are unable to determine the clinical significance of this variant.

Labcorp Genetics (formerly Invitae), Labcorp
Classification: Uncertain significance for Hereditary breast ovarian cancer syndrome. Last evaluated: 2025-04-02. Review status: criteria provided, single submitter. Criteria: Invitae Variant Classification Sherloc (09022015). Collection method: clinical testing. Allele origin: germline.
Comment: This sequence change replaces alanine, which is neutral and non-polar, with aspartic acid, which is acidic and polar, at codon 1991 of the BRCA2 protein (p.Ala1991Asp). This variant is not present in population databases (gnomAD no frequency). This variant has not been reported in the literature in individuals affected with BRCA2-related conditions. ClinVar contains an entry for this variant (Variation ID: 2900659). Invitae Evidence Modeling of protein sequence and biophysical properties (such as structural, functional, and spatial information, amino acid conservation, physicochemical variation, residue mobility, and thermodynamic stability) indicates that this missense variant is not expected to disrupt BRCA2 protein function with a negative predictive value of 95%. In summary, the available evidence is currently insufficient to determine the role of this variant in disease. Therefore, it has been classified as a Variant of Uncertain Significance.